The following is an entry in ClinVar:

NM_000350.3(ABCA4):c.740A>G (p.Asn247Ser)

Gene: ABCA4 (ATP binding cassette subfamily A member 4; minus strand). Cytogenetic location: 1p22.1.
Variant type: single nucleotide variant.
Coding change: c.740A>G on transcript NM_000350.3 (MANE Select); coding-DNA position 740, A replaced by G.
Protein change: p.Asn247Ser; replaces asparagine 247 with serine.
Molecular consequence: missense variant.
Genome position (GRCh38, 1-based): chr1:94,098,822, T>C on the plus strand (A>G on the coding strand, the complement: ABCA4 is on the minus strand). VCF-style: chr1-94098822-T-C. GRCh37 (hg19) VCF-style: chr1-94564378-T-C.
Other names: c.740A>G, p.Asn247Ser (NM_001425324.1); short protein forms N247S.
Identifiers: ClinVar variation 99501 (VCV000099501.4), dbSNP rs62645950, ClinGen allele CA227452.

ClinVar aggregate classification (germline): Conflicting classifications of pathogenicity. Review status: criteria provided, conflicting classifications (1 of 4 stars). 3 submissions from 3 submitters: Likely pathogenic (1); Uncertain significance (1). 1 of the submissions does not count toward it. Last evaluated 2025-01-21.

Conditions:
Retinal dystrophy. Also called: Inherited retinal dystrophy. Identifiers: Orphanet 71862, MedGen C0854723, MeSH D058499, MONDO:0019118, HP:0000556.

Allele frequency attached by ClinVar (database versions not stated): gnomAD 0.00001; gnomAD exomes 0.00001; TOPMed 0.00002.
gnomAD v4.1: 7 of 1,614,048 alleles (0.00043%); highest among the groups gnomAD compares: African/African-American, 0.004%; no homozygotes.

Submissions (3):

Women's Health and Genetics/Laboratory Corporation of America, LabCorp
Classification: Uncertain significance. Last evaluated: 2025-01-21. Review status: criteria provided, single submitter. Criteria: LabCorp Variant Classification Summary - May 2015. Collection method: clinical testing. Allele origin: germline.
Comment: Variant summary: ABCA4 c.740A>G (p.Asn247Ser) results in a conservative amino acid change in the encoded protein sequence. Four of five in-silico tools predict a benign effect of the variant on protein function. The variant allele was found at a frequency of 8e-06 in 251460 control chromosomes (gnomAD). The available data on variant occurrences in the general population are insufficient to allow any conclusion about variant significance. c.740A>G has been reported in the literature in individuals affected with Retinitis Pigmentosa or Stargardt Disease (Rivera_2000, Hanany_2020, Li_2023). These data do not allow any conclusion about variant significance. To our knowledge, no experimental evidence demonstrating an impact on protein function has been reported. The following publications have been ascertained in the context of this evaluation (PMID: 31964843, 36729443, 10958763). ClinVar contains an entry for this variant (Variation ID: 99501). Based on the evidence outlined above, the variant was classified as uncertain significance.

Institute of Human Genetics, Univ. Regensburg, Univ. Regensburg
Classification: Likely pathogenic for Retinal dystrophy. Last evaluated: 2021-01-01. Review status: criteria provided, single submitter. Criteria: ACMG Guidelines, 2015. Collection method: clinical testing. Allele origin: germline. Affected: yes.

Retina International
No classification provided. Review status: no classification provided. Collection method: not provided. Allele origin: not provided. Not counted in ClinVar's aggregate classification.

Literature cited by the submitters: PubMed 31964843 (cited by Women's Health and Genetics/Laboratory Corporation of America, LabCorp); PubMed 10958763 (cited by Women's Health and Genetics/Laboratory Corporation of America, LabCorp and Institute of Human Genetics, Univ. Regensburg, Univ. Regensburg); PubMed 36729443 (cited by Women's Health and Genetics/Laboratory Corporation of America, LabCorp); PubMed 3196484 (cited by Institute of Human Genetics, Univ. Regensburg, Univ. Regensburg).